The following is an entry in ClinVar:

NM_000352.6(ABCC8):c.1502A>C (p.Glu501Ala)

Gene: ABCC8 (ATP binding cassette subfamily C member 8; minus strand). Cytogenetic location: 11p15.1.
Variant type: single nucleotide variant.
Coding change: c.1502A>C on transcript NM_000352.6 (MANE Select); coding-DNA position 1502, A replaced by C.
Protein change: p.Glu501Ala; replaces glutamic acid 501 with alanine.
Molecular consequence: missense variant. On other transcripts: non-coding transcript variant (1).
Genome position (GRCh38, 1-based): chr11:17,442,848, T>G on the plus strand (A>C on the coding strand, the complement: ABCC8 is on the minus strand). VCF-style: chr11-17442848-T-G. GRCh37 (hg19) VCF-style: chr11-17464395-T-G.
Other names: c.1502A>C, p.Glu501Ala (NM_001287174.3, NM_001351295.2); c.1499A>C, p.Glu500Ala (NM_001351296.2, NM_001351297.2); short protein forms E501A, E500A.
Identifiers: ClinVar variation 2997719 (VCV002997719.3), dbSNP rs749810368, ClinGen allele CA5903547.

ClinVar aggregate classification (germline): Likely pathogenic (1 of 4 stars; one submission).

Allele frequency attached by ClinVar (database versions not stated): gnomAD exomes below 0.00001; ExAC 0.00001.
gnomAD v4.1: 1 of 1,613,920 alleles (0.000062%); highest among the groups gnomAD compares: Non-Finnish European, 0.000085%; no homozygotes.

Submission:

Labcorp Genetics (formerly Invitae), Labcorp
Classification: Likely pathogenic. Last evaluated: 2023-07-29. Review status: criteria provided, single submitter. Criteria: Invitae Variant Classification Sherloc (09022015). Collection method: clinical testing. Allele origin: germline.
Comment: This sequence change replaces glutamic acid, which is acidic and polar, with alanine, which is neutral and non-polar, at codon 501 of the ABCC8 protein (p.Glu501Ala). This variant is present in population databases (rs749810368, gnomAD 0.0009%). This variant has not been reported in the literature in individuals affected with ABCC8-related conditions. Advanced modeling of protein sequence and biophysical properties (such as structural, functional, and spatial information, amino acid conservation, physicochemical variation, residue mobility, and thermodynamic stability) performed at Invitae indicates that this missense variant is expected to disrupt ABCC8 protein function. This variant disrupts the p.Glu501 amino acid residue in ABCC8. Other variant(s) that disrupt this residue have been determined to be pathogenic (PMID: 16357843, 17575084, 24434300, 31218401). This suggests that this residue is clinically significant, and that variants that disrupt this residue are likely to be disease-causing. In summary, the currently available evidence indicates that the variant is pathogenic, but additional data are needed to prove that conclusively. Therefore, this variant has been classified as Likely Pathogenic.

Literature cited by the submitters: PubMed 16357843; PubMed 17575084; PubMed 24434300; PubMed 31218401.